The following is an entry in ClinVar:

ClinVar aggregate classification (germline): Pathogenic/Likely pathogenic. Review status: criteria provided, multiple submitters, no conflicts (2 of 4 stars). 2 submissions from 2 submitters: Pathogenic (1); Likely pathogenic (1). Last evaluated 2024-06-20.

Conditions:
Meckel syndrome, type 5 (MKS5). Identifiers: Orphanet 564, MedGen C1969052, MONDO:0012695, OMIM 611561.
COACH syndrome 3. Identifiers: MedGen C5436841, MONDO:0030862, OMIM 619113.
Joubert syndrome 7 (JBTS7). Identifiers: Orphanet 220497, MedGen C1969053, MONDO:0012694, OMIM 611560.
Joubert syndrome. Also called: CEREBELLOPARENCHYMAL DISORDER IV; JOUBERT-BOLTSHAUSER SYNDROME; Familial aplasia of the vermis. Identifiers: Orphanet 475, MedGen C5979921, MONDO:0018772.
Meckel-Gruber syndrome. Also called: DYSENCEPHALIA SPLANCHNOCYSTICA; GRUBER SYNDROME; Dysencephalia splachnocystica. Identifiers: Orphanet 564, MedGen C0265215, MONDO:0018921.

Submissions (2):

Fulgent Genetics
Classification: Likely pathogenic for Joubert syndrome 7; Meckel syndrome, type 5; COACH syndrome 3. Last evaluated: 2024-06-20. Review status: criteria provided, single submitter. Criteria: ACMG Guidelines, 2015. Collection method: clinical testing. Allele origin: germline.

Labcorp Genetics (formerly Invitae), Labcorp
Classification: Pathogenic for Joubert syndrome; Meckel-Gruber syndrome. Last evaluated: 2022-08-28. Review status: criteria provided, single submitter. Criteria: Invitae Variant Classification Sherloc (09022015). Collection method: clinical testing. Allele origin: germline.
Comment: For these reasons, this variant has been classified as Pathogenic. ClinVar contains an entry for this variant (Variation ID: 1442552). This variant has not been reported in the literature in individuals affected with RPGRIP1L-related conditions. This variant is not present in population databases (gnomAD no frequency). This sequence change creates a premature translational stop signal (p.Gln660*) in the RPGRIP1L gene. It is expected to result in an absent or disrupted protein product. Loss-of-function variants in RPGRIP1L are known to be pathogenic (PMID: 17558409).

Literature cited by the submitters: PubMed 17558409 (cited by Labcorp Genetics (formerly Invitae), Labcorp).

NM_015272.5(RPGRIP1L):c.1978C>T (p.Gln660Ter)

Gene: RPGRIP1L (RPGRIP1 like; minus strand). Cytogenetic location: 16q12.2.
Variant type: single nucleotide variant.
Coding change: c.1978C>T on transcript NM_015272.5 (MANE Select); coding-DNA position 1978, C replaced by T.
Protein change: p.Gln660Ter; replaces glutamine 660 with a stop codon.
Molecular consequence: nonsense.
Genome position (GRCh38, 1-based): chr16:53,652,709, G>A on the plus strand (C>T on the coding strand, the complement: RPGRIP1L is on the minus strand). VCF-style: chr16-53652709-G-A. GRCh37 (hg19) VCF-style: chr16-53686621-G-A.
Other names: c.1978C>T, p.Gln660Ter (NM_001127897.4, NM_001308334.3, NM_001330538.2); short protein forms Q660*.
Identifiers: ClinVar variation 1442552 (VCV001442552.7), dbSNP rs2151125946, ClinGen allele CA395916913.
Genomic context (GRCh38, chr16:53,652,709, plus strand): 5'-GGGTGATAGTATTCTTCTGAATATATTGCAAAAATAAGTCATTAACATGAACAAGATATT[G>A]AGAAGTGAAGTTATATTCGGGATGAAGGCCTCGCACTACGGGAGTTGTCTGTAGTTCAAA-3'